The following is an entry in ClinVar:

ClinVar aggregate classification (germline): Uncertain significance (1 of 4 stars; one submission).

Conditions:
Cystic fibrosis (CF). Also called: MUCOVISCIDOSIS. Identifiers: Orphanet 586, MedGen C0010674, MONDO:0009061, OMIM 219700. Disease mechanism: loss of function.

Allele frequency attached by ClinVar (database versions not stated): 1000 Genomes Project 30x 0.00016; gnomAD 0.00001; 1000 Genomes Project 0.00020.
gnomAD v4.1: 1 of 1,613,858 alleles (0.000062%); highest among the groups gnomAD compares: South Asian, 0.0011%; no homozygotes.

Submission:

Ambry Genetics
Classification: Uncertain significance for Cystic fibrosis. Last evaluated: 2023-09-29. Review status: criteria provided, single submitter. Criteria: Ambry Variant Classification Scheme 2023. Collection method: clinical testing. Allele origin: germline.
Comment: The p.Q652E variant (also known as c.1954C>G), located in coding exon 14 of the CFTR gene, results from a C to G substitution at nucleotide position 1954. The glutamine at codon 652 is replaced by glutamic acid, an amino acid with highly similar properties. This amino acid position is conserved. In addition, the in silico prediction for this alteration is inconclusive. Since supporting evidence is limited at this time, the clinical significance of this alteration remains unclear.

NM_000492.4(CFTR):c.1954C>G (p.Gln652Glu)

Gene: CFTR (CF transmembrane conductance regulator; plus strand). Cytogenetic location: 7q31.2.
Variant type: single nucleotide variant.
Coding change: c.1954C>G on transcript NM_000492.4 (MANE Select); coding-DNA position 1954, C replaced by G.
Protein change: p.Gln652Glu; replaces glutamine 652 with glutamic acid.
Molecular consequence: missense variant.
Genome position (GRCh38, 1-based): chr7:117,592,121, C>G. VCF-style: chr7-117592121-C-G. GRCh37 (hg19) VCF-style: chr7-117232175-C-G.
Other names: short protein forms Q652E.
Identifiers: ClinVar variation 3231841 (VCV003231841.1), dbSNP rs546234059, ClinGen allele CA4451123.
Genomic context (GRCh38, chr7:117,592,121, plus strand): 5'-GAACTCCAAAATCTACAGCCAGACTTTAGCTCAAAACTCATGGGATGTGATTCTTTCGAC[C>G]AATTTAGTGCAGAAAGAAGAAATTCAATCCTAACTGAGACCTTACACCGTTTCTCATTAG-3'
Protein context (NP_000483.3, residues 642-662): SKLMGCDSFD[Gln652Glu]FSAERRNSIL